The following is an entry in ClinVar:

NM_020461.4(TUBGCP6):c.4939C>T (p.His1647Tyr)

Gene: TUBGCP6 (tubulin gamma complex component 6; minus strand). Cytogenetic location: 22q13.33.
Variant type: single nucleotide variant.
Coding change: c.4939C>T on transcript NM_020461.4 (MANE Select); coding-DNA position 4939, C replaced by T.
Protein change: p.His1647Tyr; replaces histidine 1647 with tyrosine.
Molecular consequence: missense variant.
Genome position (GRCh38, 1-based): chr22:50,218,503, G>A on the plus strand (C>T on the coding strand, the complement: TUBGCP6 is on the minus strand). VCF-style: chr22-50218503-G-A. GRCh37 (hg19) VCF-style: chr22-50656932-G-A.
Other names: c.4939C>T (NM_020461.3); short protein forms H1647Y.
Identifiers: ClinVar variation 1404613 (VCV001404613.8), dbSNP rs533827285, ClinGen allele CA10307272.

ClinVar aggregate classification (germline): Uncertain significance. Review status: criteria provided, multiple submitters, no conflicts (2 of 4 stars). 3 submissions from 3 submitters: Uncertain significance (3). Last evaluated 2025-03-24.

Conditions:
Inborn genetic diseases. Identifiers: MedGen C0950123, MeSH D030342.

Allele frequency attached by ClinVar (database versions not stated): gnomAD exomes 0.00001 and 0.00002; ExAC 0.00003; gnomAD 0.00006; TOPMed 0.00007; 1000 Genomes Project 30x 0.00016; 1000 Genomes Project 0.00020.
gnomAD v4.1: 20 of 1,613,616 alleles (0.0012%); highest among the groups gnomAD compares: African/African-American, 0.023%; no homozygotes.

Submissions (3):

GeneDx
Classification: Uncertain significance. Last evaluated: 2025-03-24. Review status: criteria provided, single submitter. Criteria: GeneDx Variant Classification Process June 2021. Collection method: clinical testing. Allele origin: germline. Affected: yes.
Comment: In silico analysis supports that this missense variant has a deleterious effect on protein structure/function; Has not been previously published as pathogenic or benign to our knowledge

Labcorp Genetics (formerly Invitae), Labcorp
Classification: Uncertain significance. Last evaluated: 2025-03-07. Review status: criteria provided, single submitter. Criteria: Invitae Variant Classification Sherloc (09022015). Collection method: clinical testing. Allele origin: germline.
Comment: This sequence change replaces histidine, which is basic and polar, with tyrosine, which is neutral and polar, at codon 1647 of the TUBGCP6 protein (p.His1647Tyr). This variant is present in population databases (rs533827285, gnomAD 0.03%). This variant has not been reported in the literature in individuals affected with TUBGCP6-related conditions. ClinVar contains an entry for this variant (Variation ID: 1404613). An algorithm developed to predict the effect of missense changes on protein structure and function (PolyPhen-2) suggests that this variant is likely to be disruptive. In summary, the available evidence is currently insufficient to determine the role of this variant in disease. Therefore, it has been classified as a Variant of Uncertain Significance.

Ambry Genetics
Classification: Uncertain significance for Inborn genetic diseases. Last evaluated: 2025-01-23. Review status: criteria provided, single submitter. Criteria: Ambry Variant Classification Scheme 2023. Collection method: clinical testing. Allele origin: germline.